The following is an entry in ClinVar:

NM_001723.7(DST):c.4020C>T (p.Ile1340=)

Gene: DST (dystonin; minus strand). Cytogenetic location: 6p12.1.
Variant type: single nucleotide variant.
Coding change: c.4020C>T on transcript NM_001723.7 (MANE Plus Clinical); coding-DNA position 4020, C replaced by T.
Protein change: p.Ile1340=; no amino-acid change (isoleucine 1340 retained).
Molecular consequence: synonymous variant. On other transcripts: intron variant (10).
Genome position (GRCh38, 1-based): chr6:56,620,014, G>A on the plus strand (C>T on the coding strand, the complement: DST is on the minus strand). VCF-style: chr6-56620014-G-A. GRCh37 (hg19) VCF-style: chr6-56484812-G-A.
Other names: c.4830+4516C>T (NM_001144769.5); c.4929+4516C>T (NM_001374722.1, NM_001374736.1); c.4956+4516C>T (NM_001374734.1); c.4416+4516C>T (NM_001144770.2); c.4296+4516C>T (NM_001374730.1, NM_001386100.1, NM_183380.4 and 1 more transcripts); c.3318+4516C>T (NM_015548.5).
Identifiers: ClinVar variation 1100376 (VCV001100376.34), dbSNP rs768554069, ClinGen allele CA3870612.

ClinVar aggregate classification (germline): Likely benign. Review status: criteria provided, multiple submitters, no conflicts (2 of 4 stars). 3 submissions from 3 submitters: Likely benign (3). Last evaluated 2026-07-01.

Conditions:
Hereditary sensory and autonomic neuropathy type 6. Also called: Neuropathy, hereditary sensory and autonomic, type VI; HSAN VI. Identifiers: Orphanet 314381, MedGen C3539003, MONDO:0013839, OMIM 614653.
Epidermolysis bullosa simplex 3, localized or generalized intermediate, with BP230 deficiency (EBS3). Also called: Epidermolysis bullosa simplex due to BP230 deficiency; Epidermolysis bullosa simplex, autosomal recessive 2. Identifiers: Orphanet 412181, MedGen C3809470, MONDO:0014180, OMIM 615425.

Allele frequency attached by ClinVar (database versions not stated): TOPMed 0.00001; ExAC 0.00002; gnomAD exomes 0.00002.
gnomAD v4.1: 14 of 1,614,070 alleles (0.00087%); highest among the groups gnomAD compares: Non-Finnish European, 0.0012%; no homozygotes.

Submissions (3):

CeGaT Center for Human Genetics Tuebingen
Classification: Likely benign. Last evaluated: 2026-07-01. Review status: criteria provided, single submitter. Criteria: CeGaT Center For Human Genetics Tuebingen Variant Classification Criteria Version 2. Collection method: clinical testing. Allele origin: germline. Affected: yes. Observed: 2 variant alleles.
Comment: DST: BP4, BP7

Blueprint Genetics
Classification: Likely benign. Last evaluated: 2024-10-28. Review status: criteria provided, single submitter. Criteria: ACMG Guidelines, 2015. Collection method: clinical testing. Allele origin: germline.

Labcorp Genetics (formerly Invitae), Labcorp
Classification: Likely benign for Epidermolysis bullosa simplex 3, localized or generalized intermediate, with BP230 deficiency; Hereditary sensory and autonomic neuropathy type 6. Last evaluated: 2024-07-08. Review status: criteria provided, single submitter. Criteria: Invitae Variant Classification Sherloc (09022015). Collection method: clinical testing. Allele origin: germline.